The following is an entry in ClinVar:

ClinVar aggregate classification (germline): Uncertain significance (1 of 4 stars; one submission).

Conditions:
Hereditary cancer-predisposing syndrome. Also called: Neoplastic Syndromes, Hereditary; Tumor predisposition; Hereditary Cancer Syndrome; Hereditary neoplastic syndrome. Identifiers: Orphanet 140162, MedGen C0027672, MeSH D009386, MONDO:0015356.

Submission:

Ambry Genetics
Classification: Uncertain significance for Hereditary cancer-predisposing syndrome. Last evaluated: 2025-12-15. Review status: criteria provided, single submitter. Criteria: Ambry Variant Classification Scheme 2023. Collection method: clinical testing. Allele origin: germline.
Comment: The p.Q438R variant (also known as c.1313A>G), located in coding exon 12 of the FANCC gene, results from an A to G substitution at nucleotide position 1313. The glutamine at codon 438 is replaced by arginine, an amino acid with highly similar properties. This amino acid position is conserved. In addition, this alteration is predicted to be tolerated by in silico analysis. Based on the available evidence, the clinical significance of this variant remains unclear.

NM_000136.3(FANCC):c.1313A>G (p.Gln438Arg)

Genes: AOPEP (aminopeptidase O (putative); plus strand), FANCC (FA complementation group C; minus strand). Cytogenetic location: 9q22.32.
Variant type: single nucleotide variant.
Coding change: c.1313A>G on transcript NM_000136.3 (MANE Select); coding-DNA position 1313, A replaced by G.
Protein change: p.Gln438Arg; replaces glutamine 438 with arginine.
Molecular consequence: missense variant.
Genome position (GRCh38, 1-based): chr9:95,111,479, T>C on the plus strand (A>G on the coding strand, the complement: FANCC is on the minus strand). VCF-style: chr9-95111479-T-C. GRCh37 (hg19) VCF-style: chr9-97873761-T-C.
Other names: c.1313A>G, p.Gln438Arg (NM_001243743.2, NM_001243744.2); short protein forms Q438R.
Identifiers: ClinVar variation 4842782 (VCV004842782.1).
Genomic context (GRCh38, chr9:95,111,479, plus strand): 5'-CCCAGAGCCCACCCCAAACACATGCAGTGGGGCCTGCTACCCACCATAGTCTGTGCTCTC[T>C]GCTGCCTCCCATCACGGGGGCCGTAGTAGAAGGCCAAGAGCCACAGCAGGGCCGTGGGGG-3'
Protein context (NP_000127.2, residues 428-448): FYYGPRDGRQ[Gln438Arg]RAQTMVQVKA